The following is an entry in ClinVar:

NM_021096.4(CACNA1I):c.1574G>A (p.Cys525Tyr)

Gene: CACNA1I (calcium voltage-gated channel subunit alpha1 I; plus strand). Cytogenetic location: 22q13.1.
Variant type: single nucleotide variant.
Coding change: c.1574G>A on transcript NM_021096.4 (MANE Select); coding-DNA position 1574, G replaced by A.
Protein change: p.Cys525Tyr; replaces cysteine 525 with tyrosine.
Molecular consequence: missense variant.
Genome position (GRCh38, 1-based): chr22:39,649,507, G>A. VCF-style: chr22-39649507-G-A. GRCh37 (hg19) VCF-style: chr22-40045512-G-A.
Other names: c.1469G>A, p.Cys490Tyr (NM_001003406.2); short protein forms C490Y, C525Y.
Identifiers: ClinVar variation 3356379 (VCV003356379.1).

ClinVar aggregate classification (germline): Uncertain significance (0 of 4 stars; one submission).

Conditions:
CACNA1I-related disorder. Also called: CACNA1I-related condition.

gnomAD v4.1: 16 of 1,563,568 alleles (0.001%); highest among the groups gnomAD compares: South Asian, 0.0024%; no homozygotes.

Submission:

PreventionGenetics, part of Exact Sciences
Classification: Uncertain significance for CACNA1I-related condition. Last evaluated: 2024-09-10. Review status: no assertion criteria provided. Collection method: clinical testing. Allele origin: germline.
Comment: The CACNA1I c.1574G>A variant is predicted to result in the amino acid substitution p.Cys525Tyr. To our knowledge, this variant has not been reported in the literature. This variant is reported in 0.0043% of alleles in individuals of South Asian descent in gnomAD. At this time, the clinical significance of this variant is uncertain due to the absence of conclusive functional and genetic evidence.